The following is an entry in ClinVar:

NM_000051.4(ATM):c.3315del (p.Arg1106fs)

Gene: ATM (ATM serine/threonine kinase; plus strand). Cytogenetic location: 11q22.3.
Variant type: Deletion.
Coding change: c.3315del on transcript NM_000051.4 (MANE Select); coding-DNA position 3315, one base deleted (C; older notation c.3315delC).
Protein change: p.Arg1106fs; shifts the reading frame from arginine 1106.
Molecular consequence: frameshift variant.
Genome position (GRCh38, 1-based): chr11:108,279,521, C deleted; the last of 2 consecutive C bases (chr11:108,279,520-108,279,521); deleting either gives the same sequence. VCF-style (leftmost placement, unchanged base first): chr11-108279519-TC-T. GRCh37 (hg19) VCF-style: chr11-108150246-TC-T.
Other names: c.3315del, p.Arg1106fs (NM_001351834.2); short protein forms R1106fs.
Identifiers: ClinVar variation 3648420 (VCV003648420.2).

ClinVar aggregate classification (germline): Pathogenic (1 of 4 stars; one submission).

Conditions:
Ataxia-telangiectasia syndrome (AT). Also called: ATAXIA-TELANGIECTASIA, COMPLEMENTATION GROUP A; ATAXIA-TELANGIECTASIA, FRESNO VARIANT; LOUIS-BAR SYNDROME; Ataxia-telangiectasia, complementation group D; Ataxia-telangiectasia, complementation group E; Cerebello-oculocutaneous telangiectasia. Identifiers: Orphanet 100, MedGen C0004135, MONDO:0008840, OMIM 208900.

Submission:

Labcorp Genetics (formerly Invitae), Labcorp
Classification: Pathogenic for Ataxia-telangiectasia syndrome. Last evaluated: 2024-04-02. Review status: criteria provided, single submitter. Criteria: Invitae Variant Classification Sherloc (09022015). Collection method: clinical testing. Allele origin: germline.
Comment: This sequence change creates a premature translational stop signal (p.Arg1106Glyfs*3) in the ATM gene. It is expected to result in an absent or disrupted protein product. Loss-of-function variants in ATM are known to be pathogenic (PMID: 23807571, 25614872). This variant is not present in population databases (gnomAD no frequency). This variant has not been reported in the literature in individuals affected with ATM-related conditions. For these reasons, this variant has been classified as Pathogenic.

Literature cited by the submitters: PubMed 23807571; PubMed 25614872.